The following is an entry in ClinVar:

NM_001128840.3(CACNA1D):c.6062G>A (p.Arg2021His)

Gene: CACNA1D (calcium voltage-gated channel subunit alpha1 D; plus strand). Cytogenetic location: 3p21.1.
Variant type: single nucleotide variant.
Coding change: c.6062G>A on transcript NM_001128840.3 (MANE Select); coding-DNA position 6062, G replaced by A.
Protein change: p.Arg2021His; replaces arginine 2021 with histidine.
Molecular consequence: missense variant.
Genome position (GRCh38, 1-based): chr3:53,810,168, G>A. VCF-style: chr3-53810168-G-A. GRCh37 (hg19) VCF-style: chr3-53844195-G-A.
Other names: c.6122G>A, p.Arg2041His (NM_000720.4); c.5990G>A, p.Arg1997His (NM_001128839.3); c.6122G>A (NM_000720.2); short protein forms R2041H, R2021H, R1997H.
Identifiers: ClinVar variation 1439534 (VCV001439534.10), dbSNP rs748413924, ClinGen allele CA2455355.

ClinVar aggregate classification (germline): Uncertain significance. Review status: criteria provided, multiple submitters, no conflicts (2 of 4 stars). 3 submissions from 3 submitters: Uncertain significance (3). Last evaluated 2025-07-31.

Conditions:
Inborn genetic diseases. Identifiers: MedGen C0950123, MeSH D030342.

Allele frequency attached by ClinVar (database versions not stated): ExAC 0.00001; gnomAD exomes 0.00001 and 0.00002; TOPMed 0.00001; gnomAD 0.00002.
gnomAD v4.1: 15 of 1,613,856 alleles (0.00093%); highest among the groups gnomAD compares: Admixed American, 0.0033%; no homozygotes.

Submissions (3):

Labcorp Genetics (formerly Invitae), Labcorp
Classification: Uncertain significance. Last evaluated: 2025-07-31. Review status: criteria provided, single submitter. Criteria: Invitae Variant Classification Sherloc (09022015). Collection method: clinical testing. Allele origin: germline.
Comment: This sequence change replaces arginine, which is basic and polar, with histidine, which is basic and polar, at codon 2041 of the CACNA1D protein (p.Arg2041His). This variant is present in population databases (rs748413924, gnomAD 0.004%). This variant has not been reported in the literature in individuals affected with CACNA1D-related conditions. ClinVar contains an entry for this variant (Variation ID: 1439534). An algorithm developed to predict the effect of missense changes on protein structure and function (PolyPhen-2) suggests that this variant is likely to be disruptive. In summary, the available evidence is currently insufficient to determine the role of this variant in disease. Therefore, it has been classified as a Variant of Uncertain Significance.

Women's Health and Genetics/Laboratory Corporation of America, LabCorp
Classification: Uncertain significance. Last evaluated: 2025-02-11. Review status: criteria provided, single submitter. Criteria: LabCorp Variant Classification Summary - May 2015. Collection method: clinical testing. Allele origin: germline.
Comment: Variant summary: CACNA1D c.6122G>A (p.Arg2041His; also reported as p.R1997H/p.R2021H in the literature) results in a non-conservative amino acid change located in the voltage-gated calcium channel subunit alpha, C-terminal (IPR031688) of the encoded protein sequence. Three of five in-silico tools predict a damaging effect of the variant on protein function. The variant allele was found at a frequency of 1.6e-05 in 251278 control chromosomes (gnomAD). The available data on variant occurrences in the general population are insufficient to allow any conclusion about variant significance. c.6122G>A has been reported in the literature in at least an individual with autism (De Rubeis_2014). This report however does not provide unequivocal conclusions about association of the variant with Sinoatrial Node Dysfunction And Deafness. To our knowledge, no experimental evidence demonstrating an impact on protein function has been reported. The following publication has been ascertained in the context of this evaluation (PMID: 25363760). ClinVar contains an entry for this variant (Variation ID: 1439534). Based on the evidence outlined above, the variant was classified as uncertain significance.

Ambry Genetics
Classification: Uncertain significance for Inborn genetic diseases. Last evaluated: 2021-09-15. Review status: criteria provided, single submitter. Criteria: Ambry Variant Classification Scheme 2023. Collection method: clinical testing. Allele origin: germline.

Literature cited by the submitters: PubMed 25363760 (cited by Women's Health and Genetics/Laboratory Corporation of America, LabCorp).